The following is an entry in ClinVar:

ClinVar aggregate classification (germline): Pathogenic (1 of 4 stars; one submission).

Conditions:
CHARGE syndrome (CHARGE). Also called: Hittner Hirsch Kreh syndrome; CHARGE ASSOCIATION--COLOBOMA, HEART ANOMALY, CHOANAL ATRESIA, RETARDATION, GENITAL AND EAR ANOMALIES; Coloboma, heart anomaly, choanal atresia, retardation, genital and ear anomalies; CHARGE association; Hall-Hittner syndrome. Identifiers: Orphanet 138, MedGen C0265354, MONDO:0008965.

Submission:

Victorian Clinical Genetics Services, Murdoch Childrens Research Institute
Classification: Pathogenic for CHD7-related CHARGE syndrome. Last evaluated: 2022-06-24. Review status: criteria provided, single submitter. Criteria: ACMG Guidelines, 2015. Collection method: clinical testing. Allele origin: germline. Inheritance: Autosomal dominant inheritance. Affected: yes.
Comment: Based on the classification scheme VCGS_Germline_v1.3.4, this variant is classified as Pathogenic. Following criteria are met: 0102 - Loss of function is a known mechanism of disease in this gene and is associated with CHARGE syndrome (MIM#214800) and hypogonadotropic hypogonadism 5 with or without anosmia (MIM#612370). (I) 0107 - This gene is associated with autosomal dominant disease. (I) 0200 - Variant is predicted to result in a missense amino acid change from aspartic acid to histidine. (I) 0251 - This variant is heterozygous. (I) 0301 - Variant is absent from gnomAD (both v2 and v3). (SP) 0501 - Missense variant consistently predicted to be damaging by multiple in silico tools or highly conserved with a major amino acid change. (SP) 0604 - Variant is not located in an established domain, motif, hotspot or informative constraint region. (I) 0704 - Another missense variant comparable to the one identified in this case has limited previous evidence for pathogenicity. p.(Asp2097Ala) has previously been seen in several affected members of one family with CHARGE syndrome (PMID: 24214489). (SP) 0807 - This variant has no previous evidence of pathogenicity. (I) 0905 - No published segregation evidence has been identified for this variant. (I) 1007 - No published functional evidence has been identified for this variant. (SP) Legend: (SP) - Supporting pathogenic, (I) - Information, (SB) - Supporting benign

Literature cited by the submitters: PubMed 24214489.

NM_017780.4(CHD7):c.6289G>C (p.Asp2097His)

Gene: CHD7 (chromodomain helicase DNA binding protein 7; plus strand). Cytogenetic location: 8q12.2.
Variant type: single nucleotide variant.
Coding change: c.6289G>C on transcript NM_017780.4 (MANE Select); coding-DNA position 6289, G replaced by C.
Protein change: p.Asp2097His; replaces aspartic acid 2097 with histidine.
Molecular consequence: missense variant. On other transcripts: intron variant (1).
Genome position (GRCh38, 1-based): chr8:60,853,014, G>C. VCF-style: chr8-60853014-G-C. GRCh37 (hg19) VCF-style: chr8-61765573-G-C.
Other names: c.1717-9215G>C (NM_001316690.1); short protein forms D2097H.
Identifiers: ClinVar variation 3254568 (VCV003254568.1), dbSNP rs2488041508.
Genomic context (GRCh38, chr8:60,853,014, plus strand): 5'-AGGCTTAAGCTCTGCCAGCCAAGCTTGGATCTGCCAGAGTGGTGGGAGTGTGGACGGCAT[G>C]ACCGAGACTTGCTGGTTGGTGCTGCTAAACACGGGGTCAGTCGGACGGATTATCACATCC-3'
Protein context (NP_060250.2, residues 2087-2107): LPEWWECGRH[Asp2097His]RDLLVGAAKH